The following is an entry in ClinVar:

NM_020461.4(TUBGCP6):c.3741C>A (p.Asp1247Glu)

Gene: TUBGCP6 (tubulin gamma complex component 6; minus strand). Cytogenetic location: 22q13.33.
Variant type: single nucleotide variant.
Coding change: c.3741C>A on transcript NM_020461.4 (MANE Select); coding-DNA position 3741, C replaced by A.
Protein change: p.Asp1247Glu; replaces aspartic acid 1247 with glutamic acid.
Molecular consequence: missense variant.
Genome position (GRCh38, 1-based): chr22:50,220,618, G>T on the plus strand (C>A on the coding strand, the complement: TUBGCP6 is on the minus strand). VCF-style: chr22-50220618-G-T. GRCh37 (hg19) VCF-style: chr22-50659047-G-T.
Other names: c.3741C>A (NM_020461.3); short protein forms D1247E.
Identifiers: ClinVar variation 1055371 (VCV001055371.10), dbSNP rs147606883, ClinGen allele CA10307835.

ClinVar aggregate classification (germline): Uncertain significance. Review status: criteria provided, multiple submitters, no conflicts (2 of 4 stars). 2 submissions from 2 submitters: Uncertain significance (2). Last evaluated 2022-09-06.

Conditions:
Inborn genetic diseases. Identifiers: MedGen C0950123, MeSH D030342.

Allele frequency attached by ClinVar (database versions not stated): TOPMed below 0.00001; gnomAD 0.00001.
gnomAD v4.1: 5 of 1,605,906 alleles (0.00031%); highest among the groups gnomAD compares: Non-Finnish European, 0.00042%; no homozygotes.

Submissions (2):

Labcorp Genetics (formerly Invitae), Labcorp
Classification: Uncertain significance. Last evaluated: 2022-09-06. Review status: criteria provided, single submitter. Criteria: Invitae Variant Classification Sherloc (09022015). Collection method: clinical testing. Allele origin: germline.
Comment: This variant is present in population databases (rs147606883, gnomAD 0.002%). This sequence change replaces aspartic acid, which is acidic and polar, with glutamic acid, which is acidic and polar, at codon 1247 of the TUBGCP6 protein (p.Asp1247Glu). This variant has not been reported in the literature in individuals affected with TUBGCP6-related conditions. In summary, the available evidence is currently insufficient to determine the role of this variant in disease. Therefore, it has been classified as a Variant of Uncertain Significance. Algorithms developed to predict the effect of sequence changes on RNA splicing suggest that this variant may create or strengthen a splice site. Algorithms developed to predict the effect of missense changes on protein structure and function output the following: SIFT: "Tolerated"; PolyPhen-2: "Benign"; Align-GVGD: "Class C0". The glutamic acid amino acid residue is found in multiple mammalian species, which suggests that this missense change does not adversely affect protein function. ClinVar contains an entry for this variant (Variation ID: 1055371).

Ambry Genetics
Classification: Uncertain significance for Inborn genetic diseases. Last evaluated: 2021-10-26. Review status: criteria provided, single submitter. Criteria: Ambry Variant Classification Scheme 2023. Collection method: clinical testing. Allele origin: germline.